The following is an entry in ClinVar:

ClinVar aggregate classification (germline): Uncertain significance (1 of 4 stars; one submission).

Conditions:
Familial adenomatous polyposis 1 (FAP1). Also called: POLYPOSIS, ADENOMATOUS INTESTINAL; FAMILIAL ADENOMATOUS POLYPOSIS 1, ATTENUATED. Identifiers: MedGen C2713442, MONDO:0021056, OMIM 175100. Disease mechanism: loss of function.

Allele frequency attached by ClinVar (database versions not stated): gnomAD exomes below 0.00001; ExAC 0.00001.
gnomAD v4.1: 3 of 1,613,024 alleles (0.00019%); highest among the groups gnomAD compares: South Asian, 0.0033%; no homozygotes.

Submission:

Labcorp Genetics (formerly Invitae), Labcorp
Classification: Uncertain significance for Familial adenomatous polyposis 1. Last evaluated: 2025-05-05. Review status: criteria provided, single submitter. Criteria: Invitae Variant Classification Sherloc (09022015). Collection method: clinical testing. Allele origin: germline.
Comment: This sequence change replaces serine, which is neutral and polar, with proline, which is neutral and non-polar, at codon 254 of the APC protein (p.Ser254Pro). This variant is present in population databases (rs770912433, gnomAD 0.003%). This variant has not been reported in the literature in individuals affected with APC-related conditions. ClinVar contains an entry for this variant (Variation ID: 2131912). Invitae Evidence Modeling of protein sequence and biophysical properties (such as structural, functional, and spatial information, amino acid conservation, physicochemical variation, residue mobility, and thermodynamic stability) indicates that this missense variant is not expected to disrupt APC protein function with a negative predictive value of 95%. In summary, the available evidence is currently insufficient to determine the role of this variant in disease. Therefore, it has been classified as a Variant of Uncertain Significance.

NM_000038.6(APC):c.760T>C (p.Ser254Pro)

Gene: APC (APC regulator of Wnt signaling pathway; plus strand). Cytogenetic location: 5q22.2.
Variant type: single nucleotide variant.
Coding change: c.760T>C on transcript NM_000038.6 (MANE Select); coding-DNA position 760, T replaced by C.
Protein change: p.Ser254Pro; replaces serine 254 with proline.
Molecular consequence: missense variant. On other transcripts: 5 prime UTR variant (1).
Genome position (GRCh38, 1-based): chr5:112,801,309, T>C. VCF-style: chr5-112801309-T-C. GRCh37 (hg19) VCF-style: chr5-112137006-T-C.
Other names: c.760T>C, p.Ser254Pro (NM_001127510.3, NM_001354895.2, NM_001354896.2 and 12 more transcripts); c.706T>C, p.Ser236Pro (NM_001127511.3); c.790T>C, p.Ser264Pro (NM_001354897.2, NM_001354902.2, NM_001407446.1); c.685T>C, p.Ser229Pro (NM_001354898.2, NM_001354904.2, NM_001407451.1); c.676T>C, p.Ser226Pro (NM_001354899.2, NM_001407452.1, NM_001407467.1 and 1 more transcripts); c.583T>C, p.Ser195Pro (NM_001354900.2, NM_001354901.2, NM_001354905.2 and 1 more transcripts); c.-276T>C (NM_001354906.2, NM_001407470.1, NM_001407471.1 and 1 more transcripts); short protein forms S236P, S195P, S226P, S229P, S254P, S264P.
Identifiers: ClinVar variation 2131912 (VCV002131912.4), dbSNP rs770912433, ClinGen allele CA048692.